The following is an entry in ClinVar:

NM_000135.4:c.2601+364_4011-67del

Gene: FANCA (FA complementation group A; minus strand).
Variant type: Deletion.
Other names: c.2601+364_4011-67del (NM_000135.4).
Identifiers: ClinVar variation 4888412 (VCV004888412.1).

ClinVar aggregate classification (germline): Likely pathogenic (1 of 4 stars; one submission).

Conditions:
Fanconi anemia complementation group A (FANCA). Also called: FANCA-Related Fanconi Anemia; Fanconi anemia, group A. Identifiers: Orphanet 84, MedGen C3469521, MONDO:0009215, OMIM 227650.

Submission:

New York Genome Center
Classification: Likely pathogenic for Fanconi anemia complementation group A. Last evaluated: 2023-01-11. Review status: criteria provided, single submitter. Criteria: NYGC Assertion Criteria 2020. Collection method: clinical testing. Allele origin: inherited. Affected: yes. Observed: 1 variant allele, 1 compound heterozygote.
Comment: The 27.4 kb deletion encompassing exons 28 to 40 of FANCA has not previously been reported in individuals with Fanconi anemia and it is not observed in population databases (DGV, gnomAD sv2.1), suggesting it is not a common benign variant in the populations represented in those databases. The deletion is predicted to result in a truncated protein and be subjected to loss-of-function via nonsense mediated decay (p.(Phe868Serfs*7)). Multi-exon deletions in FANCA are commonly reported in individuals with Fanconi anemia [PMID:32596782]. Based on available evidence this inherited heterozygous multi-exon deletion variant identified in FANCA is classified as Likely Pathogenic.